The following is an entry in ClinVar:

ClinVar aggregate classification (germline): Uncertain significance (1 of 4 stars; one submission).

Conditions:
Diffuse cerebral and cerebellar atrophy - intractable seizures - progressive microcephaly syndrome. Also called: Microcephaly, progressive, with seizures and cerebral and cerebellar atrophy. Identifiers: Orphanet 404437, MedGen C4014239, MONDO:0014335, OMIM 615760.

Submission:

Labcorp Genetics (formerly Invitae), Labcorp
Classification: Uncertain significance for Diffuse cerebral and cerebellar atrophy - intractable seizures - progressive microcephaly syndrome. Last evaluated: 2022-06-13. Review status: criteria provided, single submitter. Criteria: Invitae Variant Classification Sherloc (09022015). Collection method: clinical testing. Allele origin: germline.
Comment: This variant has not been reported in the literature in individuals affected with QARS-related conditions. This variant is not present in population databases (gnomAD no frequency). This sequence change replaces methionine, which is neutral and non-polar, with threonine, which is neutral and polar, at codon 408 of the QARS protein (p.Met408Thr). Algorithms developed to predict the effect of missense changes on protein structure and function (SIFT, PolyPhen-2, Align-GVGD) all suggest that this variant is likely to be disruptive. In summary, the available evidence is currently insufficient to determine the role of this variant in disease. Therefore, it has been classified as a Variant of Uncertain Significance.

NM_005051.3(QARS1):c.1223T>C (p.Met408Thr)

Gene: QARS1 (glutaminyl-tRNA synthetase 1; minus strand). Cytogenetic location: 3p21.31.
Variant type: single nucleotide variant.
Coding change: c.1223T>C on transcript NM_005051.3 (MANE Select); coding-DNA position 1223, T replaced by C.
Protein change: p.Met408Thr; replaces methionine 408 with threonine.
Molecular consequence: missense variant. On other transcripts: non-coding transcript variant (1).
Genome position (GRCh38, 1-based): chr3:49,100,033, A>G on the plus strand (T>C on the coding strand, the complement: QARS1 is on the minus strand). VCF-style: chr3-49100033-A-G. GRCh37 (hg19) VCF-style: chr3-49137466-A-G.
Other names: c.1190T>C, p.Met397Thr (NM_001272073.2); short protein forms M397T, M408T.
Identifiers: ClinVar variation 1492923 (VCV001492923.8), dbSNP rs2107102130, ClinGen allele CA352709062.
Genomic context (GRCh38, chr3:49,100,033, plus strand): 5'-GTGCGGTGGTGTGGTGTATACTTGACTCGATAGGCTACAGGGTCCATCTTGCCATCCTCC[A>G]TCACCAGCTTCATCCGTAGTGTGGCCTCGCCCTCTGAAAACTTGCCCTTGCGCATTGCCT-3'
Protein context (NP_005042.1, residues 398-418): GEATLRMKLV[Met408Thr]EDGKMDPVAY